The following is an entry in ClinVar:

ClinVar aggregate classification (germline): Uncertain significance. Review status: criteria provided, multiple submitters, no conflicts (2 of 4 stars). 3 submissions from 3 submitters: Uncertain significance (3). Last evaluated 2025-09-08.

Conditions:
RNF113A-related disorder. Also called: RNF113A-related condition.
Trichothiodystrophy 5, nonphotosensitive (TTD5). Identifiers: Orphanet 33364, MedGen C4225420, MONDO:0010495, OMIM 300953.

Submissions (3):

Labcorp Genetics (formerly Invitae), Labcorp
Classification: Uncertain significance. Last evaluated: 2025-09-08. Review status: criteria provided, single submitter. Criteria: Invitae Variant Classification Sherloc (09022015). Collection method: clinical testing. Allele origin: germline.
Comment: This variant, c.242_244del, results in the deletion of 1 amino acid(s) of the RNF113A protein (p.Gly81del), but otherwise preserves the integrity of the reading frame. This variant is present in population databases (rs776401851, gnomAD 0.006%). This variant has not been reported in the literature in individuals affected with RNF113A-related conditions. ClinVar contains an entry for this variant (Variation ID: 1347333). Experimental studies and prediction algorithms are not available or were not evaluated, and the functional significance of this variant is currently unknown. In summary, the available evidence is currently insufficient to determine the role of this variant in disease. Therefore, it has been classified as a Variant of Uncertain Significance.

PreventionGenetics, part of Exact Sciences
Classification: Uncertain significance for RNF113A-related condition. Last evaluated: 2024-11-26. Review status: criteria provided, single submitter. Criteria: ACMG Guidelines, 2015. Collection method: clinical testing. Allele origin: germline.
Comment: The RNF113A c.242_244delGCG variant is predicted to result in an in-frame deletion (p.Gly81del). To our knowledge, this variant has not been reported in the literature. This variant is reported in 0.0076% of alleles in individuals of European (Non-Finnish) descent in gnomAD. At this time, the clinical significance of this variant is uncertain due to the absence of conclusive functional and genetic evidence.

Department of Pathology and Laboratory Medicine, Sinai Health System
Classification: Uncertain significance for Trichothiodystrophy 5, nonphotosensitive. Last evaluated: 2022-01-31. Review status: criteria provided, single submitter. Criteria: ACMG Guidelines, 2015. Collection method: research. Allele origin: germline.

NM_006978.3(RNF113A):c.242_244del (p.Gly81del)

Gene: RNF113A (ring finger protein 113A; minus strand). Cytogenetic location: Xq24.
Variant type: Deletion.
Coding change: c.242_244del on transcript NM_006978.3 (MANE Select); coding-DNA positions 242 to 244, 3 bases deleted (GCG; older notation c.242_244delGCG).
Protein change: p.Gly81del; deletes glycine 81.
Molecular consequence: inframe deletion.
Genome position (GRCh38, 1-based): chrX:119,871,370-119,871,372, CGC deleted on the plus strand (GCG on the coding strand, the reverse complement: RNF113A is on the minus strand); deleting any 3 consecutive bases within chrX:119,871,370-119,871,374 gives the same sequence; the c. name uses the placement nearest the transcript's 3' end. VCF-style (leftmost placement, unchanged base first): chrX-119871369-TCGC-T. GRCh37 (hg19) VCF-style: chrX-119005332-TCGC-T.
Other names: c.242_244delGCG (NM_006978.2); short protein forms G81del.
Identifiers: ClinVar variation 1347333 (VCV001347333.8), dbSNP rs776401851, ClinGen allele CA10503486.
Genomic context (GRCh38, chrX:119,871,369, plus strand): 5'-GATTTATAAACCACGCCGAGACTCTCGGGCTCATTTTCCTCTTCCTCTTCGCTGCTCAAG[TCGC>T]CGTAAGCCGCCTTCTGTTTACCACTGTCACGGGTCTTCTGTATCATTGGATTGTGGGTCA-3'